The following is an entry in ClinVar:

NM_019066.5(MAGEL2):c.2612C>T (p.Ala871Val)

Gene: MAGEL2 (MAGE family member L2; minus strand). Cytogenetic location: 15q11.2.
Variant type: single nucleotide variant.
Coding change: c.2612C>T on transcript NM_019066.5 (MANE Select); coding-DNA position 2612, C replaced by T.
Protein change: p.Ala871Val; replaces alanine 871 with valine.
Molecular consequence: missense variant.
Genome position (GRCh38, 1-based): chr15:23,645,131, G>A on the plus strand (C>T on the coding strand, the complement: MAGEL2 is on the minus strand). VCF-style: chr15-23645131-G-A. GRCh37 (hg19) VCF-style: chr15-23890278-G-A.
Other names: short protein forms A871V.
Identifiers: ClinVar variation 158811 (VCV000158811.15), dbSNP rs74004212, ClinGen allele CA172481.
Genomic context (GRCh38, chr15:23,645,131, plus strand): 5'-TGCTTCTTCTTCCGGGTGGCCTTGCCGGAGCGGCGTGGCGGCTCGACGGAGGTCTTGGAG[G>A]CCTCTTGAGTGGTGGCAGTTGCCTGGGGGGCAGCTGCTGTAGCCATCAGGAAGGTGGGCA-3'
Protein context (NP_061939.3, residues 861-881): APQATATTQE[Ala871Val]SKTSVEPPRR

ClinVar aggregate classification (germline): Benign/Likely benign. Review status: criteria provided, multiple submitters, no conflicts (2 of 4 stars). 6 submissions from 6 submitters: Benign (3); Likely benign (3). Last evaluated 2024-11-11.

Allele frequency attached by ClinVar (database versions not stated): gnomAD exomes 0.00088 and 0.00216; ExAC 0.00276; gnomAD 0.00913 and 0.00969; ESP Exome Variant Server 0.00983; TOPMed 0.00992; 1000 Genomes Project 30x 0.01234; 1000 Genomes Project 0.01238.

Submissions (6):

Blueprint Genetics
Classification: Benign. Last evaluated: 2024-11-11. Review status: criteria provided, single submitter. Criteria: ACMG Guidelines, 2015. Collection method: clinical testing. Allele origin: germline.

Labcorp Genetics (formerly Invitae), Labcorp
Classification: Benign. Last evaluated: 2019-12-31. Review status: criteria provided, single submitter. Criteria: Invitae Variant Classification Sherloc (09022015). Collection method: clinical testing. Allele origin: germline.

GeneDx
Classification: Likely benign. Last evaluated: 2018-07-14. Review status: criteria provided, single submitter. Criteria: GeneDx Variant Classification Process June 2021. Collection method: clinical testing. Allele origin: germline. Affected: yes.

Center for Pediatric Genomic Medicine, Children's Mercy Hospital and Clinics
Classification: Benign. Last evaluated: 2017-06-15. Review status: criteria provided, single submitter. Criteria: ACMG Guidelines, 2015. Collection method: clinical testing. Allele origin: germline.

Genetic Services Laboratory, University of Chicago
Classification: Likely benign. Last evaluated: 2014-01-08. Review status: criteria provided, single submitter. Criteria: ACMG Guidelines, 2007. Collection method: clinical testing. Allele origin: germline. Inheritance: Autosomal dominant inheritance.
Comment: Likely benign based on allele frequency in 1000 Genomes Project or ESP global frequency and its presence in a patient with a rare or unrelated disease phenotype. NOT Sanger confirmed

Breakthrough Genomics
Classification: Likely benign. Review status: criteria provided, single submitter. Criteria: ACMG Guidelines, 2015. Collection method: not provided. Allele origin: germline. Inheritance: Autosomal dominant inheritance. Affected: yes.